The following is an entry in ClinVar:

ClinVar aggregate classification (germline): Uncertain significance. Review status: criteria provided, multiple submitters, no conflicts (2 of 4 stars). 2 submissions from 2 submitters: Uncertain significance (2). Last evaluated 2026-07-17.

Conditions:
DEPDC5-related disorder. Also called: DEPDC5-related condition; DEPDC5-related related disorder.
Familial focal epilepsy with variable foci (FPEVF). Identifiers: Orphanet 98820, MedGen C1858477, MONDO:0020310.

Allele frequency attached by ClinVar (database versions not stated): gnomAD exomes below 0.00001.
gnomAD v4.1: 1 of 1,614,184 alleles (0.000062%); highest among the groups gnomAD compares: Non-Finnish European, 0.000085%; no homozygotes.

Submissions (2):

PreventionGenetics, part of Exact Sciences
Classification: Uncertain significance for DEPDC5-related condition. Last evaluated: 2026-07-17. Review status: criteria provided, single submitter. Criteria: ACMG Guidelines, 2015. Collection method: clinical testing. Allele origin: germline.
Comment: The DEPDC5 c.1811C>T variant is predicted to result in the amino acid substitution p.Ser604Phe. To our knowledge, this variant has not been reported in the literature or in a large population database (gnomAD), indicating this variant is rare. At this time, the clinical significance of this variant is uncertain due to the absence of conclusive functional and genetic evidence.

Labcorp Genetics (formerly Invitae), Labcorp
Classification: Uncertain significance for Familial focal epilepsy with variable foci. Last evaluated: 2023-04-06. Review status: criteria provided, single submitter. Criteria: Invitae Variant Classification Sherloc (09022015). Collection method: clinical testing. Allele origin: germline.
Comment: This sequence change replaces serine, which is neutral and polar, with phenylalanine, which is neutral and non-polar, at codon 604 of the DEPDC5 protein (p.Ser604Phe). This variant is not present in population databases (gnomAD no frequency). This variant has not been reported in the literature in individuals affected with DEPDC5-related conditions. Experimental studies and prediction algorithms are not available or were not evaluated, and the functional significance of this variant is currently unknown. In summary, the available evidence is currently insufficient to determine the role of this variant in disease. Therefore, it has been classified as a Variant of Uncertain Significance.

NM_001242896.3(DEPDC5):c.1811C>T (p.Ser604Phe)

Gene: DEPDC5 (DEP domain containing 5, GATOR1 subcomplex subunit; plus strand). Cytogenetic location: 22q12.3.
Variant type: single nucleotide variant.
Coding change: c.1811C>T on transcript NM_001242896.3 (MANE Select); coding-DNA position 1811, C replaced by T.
Protein change: p.Ser604Phe; replaces serine 604 with phenylalanine.
Molecular consequence: missense variant. On other transcripts: non-coding transcript variant (5).
Genome position (GRCh38, 1-based): chr22:31,819,166, C>T. VCF-style: chr22-31819166-C-T. GRCh37 (hg19) VCF-style: chr22-32215152-C-T.
Other names: c.1811C>T, p.Ser604Phe (NM_001136029.4, NM_001242897.2, NM_001363852.2 and 6 more transcripts); c.1727C>T, p.Ser576Phe (NM_001369901.1, NM_001369902.1); short protein forms S576F, S604F.
Identifiers: ClinVar variation 2633314 (VCV002633314.5), dbSNP rs2519377840, ClinGen allele CA411280944.
Genomic context (GRCh38, chr22:31,819,166, plus strand): 5'-TGCATGTTCGACCTGGTGGATACACGCCCCAGAGAGCACTGATTAACCCCTTCGCTCCCT[C>T]TCGGATGCCCATGAAGCTTACGTCCAACAGAAGGCGCTGGATGCACACTTTTCCTGTGGG-3'
Protein context (NP_001229825.1, residues 594-614): QRALINPFAP[Ser604Phe]RMPMKLTSNR